The following is an entry in ClinVar:

ClinVar aggregate classification (germline): Benign/Likely benign. Review status: criteria provided, multiple submitters, no conflicts (2 of 4 stars). 3 submissions from 3 submitters: Benign (2); Likely benign (1). Last evaluated 2026-08-01.

Allele frequency attached by ClinVar (database versions not stated): 1000 Genomes Project 30x 0.00203; 1000 Genomes Project 0.00240; gnomAD exomes 0.00559; ESP Exome Variant Server 0.00567; gnomAD 0.00580 and 0.00592; TOPMed 0.00581; ExAC 0.00732.
gnomAD v4.1: 12,829 of 1,587,532 alleles (0.81%); highest among the groups gnomAD compares: Non-Finnish European, 0.99%; 68 homozygotes.

Submissions (3):

CeGaT Center for Human Genetics Tuebingen
Classification: Likely benign. Last evaluated: 2026-08-01. Review status: criteria provided, single submitter. Criteria: CeGaT Center For Human Genetics Tuebingen Variant Classification Criteria Version 2. Collection method: clinical testing. Allele origin: germline. Affected: yes. Observed: 32 variant alleles.
Comment: MN1: BP4, BP7, BS2

Labcorp Genetics (formerly Invitae), Labcorp
Classification: Benign. Last evaluated: 2017-11-18. Review status: criteria provided, single submitter. Criteria: Invitae Variant Classification Sherloc (09022015). Collection method: clinical testing. Allele origin: germline.

Breakthrough Genomics
Classification: Benign. Review status: criteria provided, single submitter. Criteria: ACMG Guidelines, 2015. Collection method: not provided. Allele origin: germline. Inheritance: Autosomal dominant inheritance. Affected: yes.

NM_002430.3(MN1):c.1200G>A (p.Leu400=)

Gene: MN1 (MN1 proto-oncogene, transcriptional regulator; minus strand). Cytogenetic location: 22q12.1.
Variant type: single nucleotide variant.
Coding change: c.1200G>A on transcript NM_002430.3 (MANE Select); coding-DNA position 1200, G replaced by A.
Protein change: p.Leu400=; no amino-acid change (leucine 400 retained).
Molecular consequence: synonymous variant.
Genome position (GRCh38, 1-based): chr22:27,799,344, C>T on the plus strand (G>A on the coding strand, the complement: MN1 is on the minus strand). VCF-style: chr22-27799344-C-T. GRCh37 (hg19) VCF-style: chr22-28195332-C-T.
Identifiers: ClinVar variation 773373 (VCV000773373.27), dbSNP rs144844337, ClinGen allele CA10166470.
Genomic context (GRCh38, chr22:27,799,344, plus strand): 5'-GTGCATGCTCCGGTTCTCCAGCCGGTGGATGGGATACTCGAATTGCGCGTGCTGGCTGGG[C>T]AGCATGGGGCCTCCGTCCTGCAGGCCGCCGCTGGGCGTGCCCGCCTCGCCCTGCTGGGGC-3'
Protein context (NP_002421.3, residues 390-410): SGGLQDGGPM[Leu400=]PSQHAQFEYP